The following is an entry in ClinVar:

NM_000059.4(BRCA2):c.6160G>A (p.Ala2054Thr)

Gene: BRCA2 (BRCA2 DNA repair associated; plus strand). Cytogenetic location: 13q13.1.
Variant type: single nucleotide variant.
Coding change: c.6160G>A on transcript NM_000059.4 (MANE Select); coding-DNA position 6160, G replaced by A.
Protein change: p.Ala2054Thr; replaces alanine 2054 with threonine.
Molecular consequence: missense variant.
Genome position (GRCh38, 1-based): chr13:32,340,515, G>A. VCF-style: chr13-32340515-G-A. GRCh37 (hg19) VCF-style: chr13-32914652-G-A.
Other names: short protein forms A2054T.
Identifiers: ClinVar variation 187483 (VCV000187483.23), dbSNP rs80358855, ClinGen allele CA023706.
Genomic context (GRCh38, chr13:32,340,515, plus strand): 5'-CGTACTCCAGAACATTTAATATCCCAAAAAGGCTTTTCATATAATGTGGTAAATTCATCT[G>A]CTTTCTCTGGATTTAGTACAGCAAGTGGAAAGCAAGTTTCCATTTTAGAAAGTTCCTTAC-3'
Protein context (NP_000050.3, residues 2044-2064): GFSYNVVNSS[Ala2054Thr]FSGFSTASGK

ClinVar aggregate classification (germline): Conflicting classifications of pathogenicity. Review status: criteria provided, conflicting classifications (1 of 4 stars). 6 submissions from 6 submitters: Uncertain significance (5); Likely benign (1). Last evaluated 2025-11-05.

Conditions:
Hereditary cancer-predisposing syndrome. Also called: Neoplastic Syndromes, Hereditary; Tumor predisposition; Hereditary Cancer Syndrome; Hereditary neoplastic syndrome. Identifiers: Orphanet 140162, MedGen C0027672, MeSH D009386, MONDO:0015356.
Hereditary breast ovarian cancer syndrome. Also called: Hereditary breast and ovarian cancer; Hereditary breast and/or ovarian cancer syndrome; BRCA1- and BRCA2-Associated Hereditary Breast and Ovarian Cancer; Hereditary breast and ovarian cancer syndrome (HBOC); Hereditary breast and ovarian cancer syndrome; Breast and ovarian cancer. Identifiers: Orphanet 145, MedGen C0677776, MeSH D061325, MONDO:0003582. Disease mechanism: loss of function.

Allele frequency attached by ClinVar (database versions not stated): gnomAD exomes below 0.00001; ExAC 0.00001.

Submissions (6):

Labcorp Genetics (formerly Invitae), Labcorp
Classification: Uncertain significance for Hereditary breast ovarian cancer syndrome. Last evaluated: 2025-11-05. Review status: criteria provided, single submitter. Criteria: Invitae Variant Classification Sherloc (09022015). Collection method: clinical testing. Allele origin: germline.
Comment: This sequence change replaces alanine, which is neutral and non-polar, with threonine, which is neutral and polar, at codon 2054 of the BRCA2 protein (p.Ala2054Thr). This variant is present in population databases (rs80358855, gnomAD 0.0009%). This missense change has been observed in individual(s) with breast and/or ovarian cancer (PMID: 31159747). ClinVar contains an entry for this variant (Variation ID: 187483). Invitae Evidence Modeling of protein sequence and biophysical properties (such as structural, functional, and spatial information, amino acid conservation, physicochemical variation, residue mobility, and thermodynamic stability) indicates that this missense variant is not expected to disrupt BRCA2 protein function with a negative predictive value of 95%. In summary, the available evidence is currently insufficient to determine the role of this variant in disease. Therefore, it has been classified as a Variant of Uncertain Significance.

Color Diagnostics, LLC DBA Color Health
Classification: Uncertain significance for Hereditary cancer-predisposing syndrome. Last evaluated: 2025-07-21. Review status: criteria provided, single submitter. Criteria: ACMG Guidelines, 2015. Collection method: clinical testing. Allele origin: germline.
Comment: This missense variant replaces alanine with threonine at codon 2054 of the BRCA2 protein. Computational prediction suggests that this variant may not impact protein structure and function. To our knowledge, functional studies have not been reported for this variant. This variant has been reported in individuals affected with thyroid carcinoma (PMID: 29684080). This variant has been identified in 1/250842 chromosomes in the general population by the Genome Aggregation Database (gnomAD). The available evidence is insufficient to determine the role of this variant in disease conclusively. Therefore, this variant is classified as a Variant of Uncertain Significance.

Center for Genomic Medicine, Rigshospitalet, Copenhagen University Hospital
Classification: Uncertain significance. Last evaluated: 2025-03-04. Review status: criteria provided, single submitter. Criteria: ACMG Guidelines, 2015. Collection method: clinical testing. Allele origin: germline.

Ambry Genetics
Classification: Uncertain significance for Hereditary cancer-predisposing syndrome. Last evaluated: 2024-06-28. Review status: criteria provided, single submitter. Criteria: Ambry Variant Classification Scheme 2023. Collection method: clinical testing. Allele origin: germline.
Comment: The p.A2054T variant (also known as c.6160G>A), located in coding exon 10 of the BRCA2 gene, results from a G to A substitution at nucleotide position 6160. The alanine at codon 2054 is replaced by threonine, an amino acid with similar properties. This amino acid position is not well conserved in available vertebrate species. In addition, the in silico prediction for this alteration is inconclusive. Based on the available evidence, the clinical significance of this variant remains unclear.

University of Washington Department of Laboratory Medicine, University of Washington
Classification: Likely benign for Hereditary cancer-predisposing syndrome. Last evaluated: 2023-03-23. Review status: criteria provided, single submitter. Criteria: Dines et al. (Genet Med. 2020). Collection method: curation. Allele origin: germline.
Comment: Missense variant in a coldspot region where missense variants are very unlikely to be pathogenic (PMID:31911673).

BRCA2 exon 11 coldspot. Reclassification based on statistical prior probability.

GeneKor MSA
Classification: Uncertain significance for Hereditary cancer-predisposing syndrome. Last evaluated: 2018-08-01. Review status: criteria provided, single submitter. Criteria: ACMG Guidelines, 2015. Collection method: clinical testing. Allele origin: germline. Affected: yes.

Literature cited by the submitters: PubMed 31159747 (cited by Labcorp Genetics (formerly Invitae), Labcorp); PubMed 29684080 (cited by Color Diagnostics, LLC DBA Color Health and Center for Genomic Medicine, Rigshospitalet, Copenhagen University Hospital).